The following is an entry in ClinVar:

ClinVar aggregate classification (germline): Uncertain significance (1 of 4 stars; one submission).

Submission:

Labcorp Genetics (formerly Invitae), Labcorp
Classification: Uncertain significance. Last evaluated: 2025-04-15. Review status: criteria provided, single submitter. Criteria: Invitae Variant Classification Sherloc (09022015). Collection method: clinical testing. Allele origin: germline.
Comment: This sequence change replaces proline, which is neutral and non-polar, with alanine, which is neutral and non-polar, at codon 889 of the PIEZO1 protein (p.Pro889Ala). This variant is not present in population databases (gnomAD no frequency). This variant has not been reported in the literature in individuals affected with PIEZO1-related conditions. An algorithm developed to predict the effect of missense changes on protein structure and function (PolyPhen-2) suggests that this variant is likely to be disruptive. In summary, the available evidence is currently insufficient to determine the role of this variant in disease. Therefore, it has been classified as a Variant of Uncertain Significance.

NM_001142864.4(PIEZO1):c.2665C>G (p.Pro889Ala)

Genes: HSALR1 (HSP90AB1 associated lncRNA 1; plus strand), PIEZO1 (piezo type mechanosensitive ion channel component 1 (Er blood group); minus strand). Cytogenetic location: 16q24.3.
Variant type: single nucleotide variant.
Coding change: c.2665C>G on transcript NM_001142864.4 (MANE Select); coding-DNA position 2665, C replaced by G.
Protein change: p.Pro889Ala; replaces proline 889 with alanine.
Molecular consequence: missense variant.
Genome position (GRCh38, 1-based): chr16:88,732,732, G>C on the plus strand (C>G on the coding strand, the complement: PIEZO1 is on the minus strand). VCF-style: chr16-88732732-G-C. GRCh37 (hg19) VCF-style: chr16-88799140-G-C.
Other names: short protein forms P889A.
Identifiers: ClinVar variation 4754489 (VCV004754489.1).